The following is an entry in ClinVar:

NM_001292063.2(OTOG):c.4969T>G (p.Ser1657Ala)

Gene: OTOG (otogelin; plus strand). Cytogenetic location: 11p15.1.
Variant type: single nucleotide variant.
Coding change: c.4969T>G on transcript NM_001292063.2 (MANE Select); coding-DNA position 4969, T replaced by G.
Protein change: p.Ser1657Ala; replaces serine 1657 with alanine.
Molecular consequence: missense variant.
Genome position (GRCh38, 1-based): chr11:17,610,269, T>G. VCF-style: chr11-17610269-T-G. GRCh37 (hg19) VCF-style: chr11-17631816-T-G.
Other names: c.5005T>G, p.Ser1669Ala (NM_001277269.2); short protein forms S1657A, S1669A.
Identifiers: ClinVar variation 3613563 (VCV003613563.2).

ClinVar aggregate classification (germline): Uncertain significance (1 of 4 stars; one submission).

Submission:

Labcorp Genetics (formerly Invitae), Labcorp
Classification: Uncertain significance. Last evaluated: 2025-06-12. Review status: criteria provided, single submitter. Criteria: Invitae Variant Classification Sherloc (09022015). Collection method: clinical testing. Allele origin: germline.
Comment: This sequence change replaces serine, which is neutral and polar, with alanine, which is neutral and non-polar, at codon 1669 of the OTOG protein (p.Ser1669Ala). This variant is not present in population databases (gnomAD no frequency). This variant has not been reported in the literature in individuals affected with OTOG-related conditions. ClinVar contains an entry for this variant (Variation ID: 3613563). An algorithm developed to predict the effect of missense changes on protein structure and function outputs the following: PolyPhen-2: "Benign". The alanine amino acid residue is found in multiple mammalian species, which suggests that this missense change does not adversely affect protein function. In summary, the available evidence is currently insufficient to determine the role of this variant in disease. Therefore, it has been classified as a Variant of Uncertain Significance.